The following is an entry in ClinVar:

NM_001127671.2(LIFR):c.*1484A>G

Gene: LIFR (LIF receptor subunit alpha; minus strand). Cytogenetic location: 5p13.1.
Variant type: single nucleotide variant.
Coding change: c.*1484A>G on transcript NM_001127671.2 (MANE Select); 1484 bases downstream of the stop codon, A replaced by G.
Molecular consequence: 3 prime UTR variant.
Genome position (GRCh38, 1-based): chr5:38,480,111, T>C on the plus strand (A>G on the coding strand, the complement: LIFR is on the minus strand). VCF-style: chr5-38480111-T-C. GRCh37 (hg19) VCF-style: chr5-38480213-T-C.
Other names: c.*1484A>G (NM_001364297.2, NM_001364298.2, NM_002310.6).
Identifiers: ClinVar variation 353583 (VCV000353583.5), dbSNP rs75368466, ClinGen allele CA10620421.

ClinVar aggregate classification (germline): Benign (1 of 4 stars; one submission).

Conditions:
Stuve-Wiedemann syndrome (STWS). Also called: Stüve-Wiedemann syndrome. Identifiers: Orphanet 3206, MedGen C0796176, MONDO:0031280.

Allele frequency attached by ClinVar (database versions not stated): gnomAD 0.00893 and 0.01264; TOPMed 0.01277; gnomAD exomes 0.03967; 1000 Genomes Project 0.05751.
gnomAD v4.1: 4,673 of 222,370 alleles (2.1%); highest among the groups gnomAD compares: East Asian, 25%; 528 homozygotes.

Submission:

Illumina Laboratory Services, Illumina
Classification: Benign for Stüve-Wiedemann syndrome 1. Last evaluated: 2018-01-12. Review status: criteria provided, single submitter. Criteria: ICSL Variant Classification Criteria 13 December 2019. Collection method: clinical testing. Allele origin: germline.
Comment: This variant was observed in the ICSL laboratory as part of a predisposition screen in an ostensibly healthy population. It had not been previously curated by ICSL or reported in the Human Gene Mutation Database (HGMD: prior to June 1st, 2018), and was therefore a candidate for classification through an automated scoring system. Utilizing variant allele frequency, disease prevalence and penetrance estimates, and inheritance mode, an automated score was calculated to assess if this variant is too frequent to cause the disease. Based on the score and internal cut-off values, a variant classified as benign is not then subjected to further curation. The score for this variant resulted in a classification of benign for this disease.